The following is an entry in ClinVar:

NM_001253697.2(ERBIN):c.1061C>T (p.Ser354Phe)

Gene: ERBIN (erbb2 interacting protein; plus strand). Cytogenetic location: 5q12.3.
Variant type: single nucleotide variant.
Coding change: c.1061C>T on transcript NM_001253697.2 (MANE Select); coding-DNA position 1061, C replaced by T.
Protein change: p.Ser354Phe; replaces serine 354 with phenylalanine.
Molecular consequence: missense variant.
Genome position (GRCh38, 1-based): chr5:66,026,342, C>T. VCF-style: chr5-66026342-C-T. GRCh37 (hg19) VCF-style: chr5-65322170-C-T.
Other names: c.1061C>T, p.Ser354Phe (NM_001253699.2, NM_001253701.2, NM_018695.4 and 2 more transcripts); short protein forms S354F.
Identifiers: ClinVar variation 2860658 (VCV002860658.3), dbSNP rs2546722089, ClinGen allele CA359975559.
Genomic context (GRCh38, chr5:66,026,342, plus strand): 5'-AGTTTATATTTCTCTTTCAGATTGGAAGCTGGAAAAATATAACTGTGCTGTTTCTCCATT[C>T]CAATAAACTTGAGACACTTCCAGAGGAAATGGGTGATATGCAAAAATTAAAAGTCATTAA-3'
Protein context (NP_001240626.1, residues 344-364): WKNITVLFLH[Ser354Phe]NKLETLPEEM

ClinVar aggregate classification (germline): Uncertain significance (1 of 4 stars; one submission).

Submission:

Labcorp Genetics (formerly Invitae), Labcorp
Classification: Uncertain significance. Last evaluated: 2023-04-29. Review status: criteria provided, single submitter. Criteria: Invitae Variant Classification Sherloc (09022015). Collection method: clinical testing. Allele origin: germline.
Comment: In summary, the available evidence is currently insufficient to determine the role of this variant in disease. Therefore, it has been classified as a Variant of Uncertain Significance. An algorithm developed to predict the effect of missense changes on protein structure and function (PolyPhen-2) suggests that this variant is likely to be disruptive. This variant has not been reported in the literature in individuals affected with ERBIN-related conditions. This variant is not present in population databases (gnomAD no frequency). This sequence change replaces serine, which is neutral and polar, with phenylalanine, which is neutral and non-polar, at codon 354 of the ERBIN protein (p.Ser354Phe).